The following is an entry in ClinVar:

ClinVar aggregate classification (germline): Uncertain significance (1 of 4 stars; one submission).

Conditions:
Temtamy syndrome (TEMTYS). Also called: MENTAL RETARDATION WITH OR WITHOUT CRANIOFACIAL DYSMORPHISM, OCULAR COLOBOMA, OR ABNORMAL CORPUS CALLOSUM. Identifiers: Orphanet 1777, MedGen C1857512, MONDO:0009033, OMIM 218340.

Allele frequency attached by ClinVar (database versions not stated): gnomAD exomes 0.00001; TOPMed 0.00003.
gnomAD v4.1: 3 of 1,614,188 alleles (0.00019%); highest among the groups gnomAD compares: Admixed American, 0.0033%; no homozygotes.

Submission:

Labcorp Genetics (formerly Invitae), Labcorp
Classification: Uncertain significance for Temtamy syndrome. Last evaluated: 2024-10-30. Review status: criteria provided, single submitter. Criteria: Invitae Variant Classification Sherloc (09022015). Collection method: clinical testing. Allele origin: germline.
Comment: This sequence change replaces glutamine, which is neutral and polar, with arginine, which is basic and polar, at codon 15 of the C12orf57 protein (p.Gln15Arg). This variant is present in population databases (no rsID available, gnomAD 0.006%). This variant has not been reported in the literature in individuals affected with C12orf57-related conditions. ClinVar contains an entry for this variant (Variation ID: 862713). An algorithm developed to predict the effect of missense changes on protein structure and function (PolyPhen-2) suggests that this variant is likely to be disruptive. In summary, the available evidence is currently insufficient to determine the role of this variant in disease. Therefore, it has been classified as a Variant of Uncertain Significance.

NM_138425.4(C12orf57):c.44A>G (p.Gln15Arg)

Gene: C12orf57 (chromosome 12 open reading frame 57; plus strand). Cytogenetic location: 12p13.31.
Variant type: single nucleotide variant.
Coding change: c.44A>G on transcript NM_138425.4 (MANE Select); coding-DNA position 44, A replaced by G.
Protein change: p.Gln15Arg; replaces glutamine 15 with arginine.
Molecular consequence: missense variant. On other transcripts: 5 prime UTR variant (1), non-coding transcript variant (1), intron variant (1).
Genome position (GRCh38, 1-based): chr12:6,944,165, A>G. VCF-style: chr12-6944165-A-G. GRCh37 (hg19) VCF-style: chr12-7053328-A-G.
Other names: c.44A>G, p.Gln15Arg (NM_001301834.1, NM_001301837.2); c.-158A>G (NM_001301838.2); c.14-311A>G (NM_001301836.2); short protein forms Q15R.
Identifiers: ClinVar variation 862713 (VCV000862713.8), dbSNP rs1316615247, ClinGen allele CA383744234.
Genomic context (GRCh38, chr12:6,944,165, plus strand): 5'-AGAGCTTCAGACGCCCTATGGCGTCCGCCTCGACCCAACCGGCGGCCTTGAGCGCTGAGC[A>G]AGCAAAGGGTGAGAATCGTCCTAGTCAAGGCATAGGCTGCTGGCCTGGGGTAGTCAAGGC-3'
Protein context (NP_612434.1, residues 5-25): STQPAALSAE[Gln15Arg]AKVVLAEVIQ